The following is an entry in ClinVar:

ClinVar aggregate classification (germline): Uncertain significance (1 of 4 stars; one submission).

Allele frequency attached by ClinVar (database versions not stated): TOPMed 0.00004; 1000 Genomes Project 30x 0.00016; 1000 Genomes Project 0.00020.
gnomAD v4.1: 32 of 1,613,958 alleles (0.002%); highest among the groups gnomAD compares: South Asian, 0.015%; no homozygotes.

Submission:

Labcorp Genetics (formerly Invitae), Labcorp
Classification: Uncertain significance. Last evaluated: 2025-10-27. Review status: criteria provided, single submitter. Criteria: Invitae Variant Classification Sherloc (09022015). Collection method: clinical testing. Allele origin: germline.
Comment: This sequence change affects codon 101 of the GNAT2 mRNA. It is a 'silent' change, meaning that it does not change the encoded amino acid sequence of the GNAT2 protein. This variant also falls at the last nucleotide of exon 3, which is part of the consensus splice site for this exon. This variant is present in population databases (rs183147259, gnomAD 0.05%). This variant has not been reported in the literature in individuals affected with GNAT2-related conditions. ClinVar contains an entry for this variant (Variation ID: 1498550). Variants that disrupt the consensus splice site are a relatively common cause of aberrant splicing (PMID: 17576681, 9536098). Algorithms developed to predict the effect of sequence changes on RNA splicing suggest that this variant may disrupt the consensus splice site. In summary, the available evidence is currently insufficient to determine the role of this variant in disease. Therefore, it has been classified as a Variant of Uncertain Significance.

Literature cited by the submitters: PubMed 17576681; PubMed 9536098.

NM_001377295.2(GNAT2):c.303G>A (p.Ala101=)

Gene: GNAT2 (G protein subunit alpha transducin 2; minus strand). Cytogenetic location: 1p13.3.
Variant type: single nucleotide variant.
Coding change: c.303G>A on transcript NM_001377295.2 (MANE Select); coding-DNA position 303, G replaced by A.
Protein change: p.Ala101=; no amino-acid change (alanine 101 retained).
Molecular consequence: synonymous variant.
Genome position (GRCh38, 1-based): chr1:109,610,040, C>T on the plus strand (G>A on the coding strand, the complement: GNAT2 is on the minus strand). VCF-style: chr1-109610040-C-T. GRCh37 (hg19) VCF-style: chr1-110152662-C-T.
Other names: c.303G>A, p.Ala101= (NM_001379232.1, NM_005272.5).
Identifiers: ClinVar variation 1498550 (VCV001498550.6), dbSNP rs183147259, ClinGen allele CA992471.